The following is an entry in ClinVar:

NM_001148.6(ANK2):c.8027G>C (p.Gly2676Ala)

Gene: ANK2 (ankyrin 2; plus strand). Cytogenetic location: 4q26.
Variant type: single nucleotide variant.
Coding change: c.8027G>C on transcript NM_001148.6 (MANE Select); coding-DNA position 8027, G replaced by C.
Protein change: p.Gly2676Ala; replaces glycine 2676 with alanine.
Molecular consequence: missense variant. On other transcripts: intron variant (68).
Genome position (GRCh38, 1-based): chr4:113,356,645, G>C. VCF-style: chr4-113356645-G-C. GRCh37 (hg19) VCF-style: chr4-114277801-G-C.
Other names: c.4472-4178G>C (NM_001386144.1, NM_001354240.2, NM_001354241.2); c.1991-4178G>C (NM_001354279.2, NM_001354282.2); c.1976-4178G>C (NM_001354280.2); c.1955-4178G>C (NM_001354278.2, NM_001354281.2); c.827-4178G>C (NM_001386167.1); c.7793G>C, p.Gly2598Ala (NM_001386142.1); c.4427G>C, p.Gly1476Ala (NM_001386166.1); c.8168G>C, p.Gly2723Ala (NM_001386174.1); and 35 more; short protein forms G1476A, G2598A, G2676A, G2715A, G2723A.
Identifiers: ClinVar variation 2655039 (VCV002655039.24), dbSNP rs752323136, ClinGen allele CA3051700.
Genomic context (GRCh38, chr4:113,356,645, plus strand): 5'-AGAGCAGGAAGGTGTCTTCCTCCTCAGAAAGTGAACCTGAGTTGGCACAGCTTAAAAAAG[G>C]TGCTGACTCAGGCCTTTTACCAGAACCAGTGATTCGAGTACAACCTCCTTCTCCACTTCC-3'
Protein context (NP_001139.3, residues 2666-2686): SEPELAQLKK[Gly2676Ala]ADSGLLPEPV

ClinVar aggregate classification (germline): Likely benign (1 of 4 stars; one submission).

Allele frequency attached by ClinVar (database versions not stated): ExAC 0.00001.
gnomAD v4.1: 1 of 1,614,076 alleles (0.000062%); highest among the groups gnomAD compares: Non-Finnish European, 0.000085%; no homozygotes.

Submission:

CeGaT Center for Human Genetics Tuebingen
Classification: Likely benign. Last evaluated: 2022-06-01. Review status: criteria provided, single submitter. Criteria: CeGaT Center For Human Genetics Tuebingen Variant Classification Criteria Version 2. Collection method: clinical testing. Allele origin: germline. Affected: yes. Observed: 1 variant allele.
Comment: ANK2: BP4